The following is an entry in ClinVar:

NM_001101.5(ACTB):c.495C>G (p.Ile165Met)

Gene: ACTB (actin beta; minus strand). Cytogenetic location: 7p22.1.
Variant type: single nucleotide variant.
Coding change: c.495C>G on transcript NM_001101.5 (MANE Select); coding-DNA position 495, C replaced by G.
Protein change: p.Ile165Met; replaces isoleucine 165 with methionine.
Molecular consequence: missense variant.
Genome position (GRCh38, 1-based): chr7:5,528,588, G>C on the plus strand (C>G on the coding strand, the complement: ACTB is on the minus strand). VCF-style: chr7-5528588-G-C. GRCh37 (hg19) VCF-style: chr7-5568219-G-C.
Other names: c.495C>G (LRG_132t1); short protein forms I165M.
Identifiers: ClinVar variation 561747 (VCV000561747.1), dbSNP rs768401130, ClinGen allele CA366703322.

ClinVar aggregate classification (germline): Likely pathogenic (1 of 4 stars; one submission).

Submission:

GeneDx
Classification: Likely pathogenic. Last evaluated: 2018-03-09. Review status: criteria provided, single submitter. Criteria: GeneDx Variant Classification (06012015). Collection method: clinical testing. Allele origin: germline. Affected: yes.
Comment: The I165M variant in the ACTB gene has not been reported previously as a pathogenic variant, nor as a benign variant, to our knowledge. The I165M variant is not observed in large population cohorts (Lek et al., 2016). The I165M variant is a conservative amino acid substitution, which is not likely to impact secondary protein structure as these residues share similar properties. In-silico analyses, including protein predictors and evolutionary conservation, support that this variant does not alter protein structure/function. However, the ACTB gene has a low rate of benign missense variation and missense variants are a common mechanism of disease (Stenson et al., 2014; Riviere et al., 2012; Verloes et al., 2015b). We interpret I165M as a likely pathogenic variant.